The following is an entry in ClinVar:

ClinVar aggregate classification (germline): Uncertain significance (1 of 4 stars; one submission).

Submission:

Labcorp Genetics (formerly Invitae), Labcorp
Classification: Uncertain significance. Last evaluated: 2024-04-18. Review status: criteria provided, single submitter. Criteria: Invitae Variant Classification Sherloc (09022015). Collection method: clinical testing. Allele origin: germline.
Comment: This sequence change replaces threonine, which is neutral and polar, with asparagine, which is neutral and polar, at codon 1463 of the FBN3 protein (p.Thr1463Asn). This variant is not present in population databases (gnomAD no frequency). This variant has not been reported in the literature in individuals affected with FBN3-related conditions. Advanced modeling of protein sequence and biophysical properties (such as structural, functional, and spatial information, amino acid conservation, physicochemical variation, residue mobility, and thermodynamic stability) performed at Invitae indicates that this missense variant is not expected to disrupt FBN3 protein function with a negative predictive value of 80%. In summary, the available evidence is currently insufficient to determine the role of this variant in disease. Therefore, it has been classified as a Variant of Uncertain Significance.

NM_032447.5(FBN3):c.4388C>A (p.Thr1463Asn)

Gene: FBN3 (fibrillin 3; minus strand). Cytogenetic location: 19p13.2.
Variant type: single nucleotide variant.
Coding change: c.4388C>A on transcript NM_032447.5 (MANE Select); coding-DNA position 4388, C replaced by A.
Protein change: p.Thr1463Asn; replaces threonine 1463 with asparagine.
Molecular consequence: missense variant.
Genome position (GRCh38, 1-based): chr19:8,109,699, G>T on the plus strand (C>A on the coding strand, the complement: FBN3 is on the minus strand). VCF-style: chr19-8109699-G-T. GRCh37 (hg19) VCF-style: chr19-8174583-G-T.
Other names: c.4388C>A, p.Thr1463Asn (NM_001321431.2); short protein forms T1463N.
Identifiers: ClinVar variation 2708228 (VCV002708228.3), dbSNP rs2512777419, ClinGen allele CA403738915.